The following is an entry in ClinVar:

NM_004036.5(ADCY3):c.211A>G (p.Lys71Glu)

Gene: ADCY3 (adenylate cyclase 3; minus strand). Cytogenetic location: 2p23.3.
Variant type: single nucleotide variant.
Coding change: c.211A>G on transcript NM_004036.5 (MANE Select); coding-DNA position 211, A replaced by G.
Protein change: p.Lys71Glu; replaces lysine 71 with glutamic acid.
Molecular consequence: missense variant.
Genome position (GRCh38, 1-based): chr2:24,918,777, T>C on the plus strand (A>G on the coding strand, the complement: ADCY3 is on the minus strand). VCF-style: chr2-24918777-T-C. GRCh37 (hg19) VCF-style: chr2-25141646-T-C.
Other names: c.211A>G (NM_001320613.1); c.211A>G, p.Lys71Glu (NM_001320613.2, NM_001377128.1, NM_001377129.1 and 2 more transcripts); short protein forms K71E.
Identifiers: ClinVar variation 2252036 (VCV002252036.6), dbSNP rs532871045, ClinGen allele CA1554556.
Genomic context (GRCh38, chr2:24,918,777, plus strand): 5'-AGCAGTCAAAGAGGGCTGCAAAGACCACCAGCACCAGCAGGGTCTCGTGGCGCTGCCTTT[T>C]GAAGTAGGTCTGGTAGAGGTTCTCCAAGGACTCCGGCACGAAAGTCAGCCGCATGAAGCG-3'
Protein context (NP_004027.2, residues 61-81): SLENLYQTYF[Lys71Glu]RQRHETLLVL

ClinVar aggregate classification (germline): Uncertain significance. Review status: criteria provided, multiple submitters, no conflicts (2 of 4 stars). 2 submissions from 2 submitters: Uncertain significance (2). Last evaluated 2026-09-25.

Conditions:
Inborn genetic diseases. Identifiers: MedGen C0950123, MeSH D030342.
ADCY3-related disorder. Also called: ADCY3-related condition.

Allele frequency attached by ClinVar (database versions not stated): TOPMed 0.00012; ExAC 0.00014; gnomAD 0.00009; gnomAD exomes 0.00010.
gnomAD v4.1: 75 of 1,613,880 alleles (0.0046%); highest among the groups gnomAD compares: Admixed American, 0.12%; 1 homozygote.

Submissions (2):

PreventionGenetics, part of Exact Sciences
Classification: Uncertain significance for ADCY3-related condition. Last evaluated: 2026-09-25. Review status: criteria provided, single submitter. Criteria: ACMG Guidelines, 2015. Collection method: clinical testing. Allele origin: germline.
Comment: The ADCY3 c.211A>G variant is predicted to result in the amino acid substitution p.Lys71Glu. To our knowledge, this variant has not been reported in the literature. This variant is reported in 0.15% of alleles in individuals of Latino descent in gnomAD, including one homozygote, which is likely too common to be an undocumented cause of disease. Although we suspect that this variant may be benign, at this time, the clinical significance of this variant is uncertain due to the absence of conclusive functional and genetic evidence.

Ambry Genetics
Classification: Uncertain significance for Inborn genetic diseases. Last evaluated: 2021-07-09. Review status: criteria provided, single submitter. Criteria: Ambry Variant Classification Scheme 2023. Collection method: clinical testing. Allele origin: germline.